The following is an entry in ClinVar:

ClinVar aggregate classification (germline): Uncertain significance (0 of 4 stars; one submission).

Conditions:
ABCC8-related disorder.

gnomAD v4.1: 2 of 1,614,136 alleles (0.00012%); highest among the groups gnomAD compares: Non-Finnish European, 0.00017%; no homozygotes.

Submission:

PreventionGenetics, part of Exact Sciences
Classification: Uncertain significance for ABCC8-related condition. Last evaluated: 2024-05-01. Review status: no assertion criteria provided. Collection method: clinical testing. Allele origin: germline.
Comment: The ABCC8 c.381C>G variant is predicted to result in the amino acid substitution p.Ile127Met. To our knowledge, this variant has not been reported in the literature. This variant is reported in 0.0018% of alleles in individuals of European (Non-Finnish) descent in gnomAD. An alternative substitution at this amino acid position (c.380T>C, p.Ile127Thr) has been documented as a variant of uncertain significance in an individual with diabetes (De Franco et al. 2020. PubMed ID: 32027066).  At this time, the clinical significance of the c.381C>G (p.Ile127Met) variant is uncertain due to the absence of conclusive functional and genetic evidence.

NM_000352.6(ABCC8):c.381C>G (p.Ile127Met)

Gene: ABCC8 (ATP binding cassette subfamily C member 8; minus strand). Cytogenetic location: 11p15.1.
Variant type: single nucleotide variant.
Coding change: c.381C>G on transcript NM_000352.6 (MANE Select); coding-DNA position 381, C replaced by G.
Protein change: p.Ile127Met; replaces isoleucine 127 with methionine.
Molecular consequence: missense variant. On other transcripts: non-coding transcript variant (1).
Genome position (GRCh38, 1-based): chr11:17,470,132, G>C on the plus strand (C>G on the coding strand, the complement: ABCC8 is on the minus strand). VCF-style: chr11-17470132-G-C. GRCh37 (hg19) VCF-style: chr11-17491679-G-C.
Other names: c.381C>G, p.Ile127Met (NM_001287174.3, NM_001351295.2, NM_001351296.2 and 1 more transcripts); short protein forms I127M.
Identifiers: ClinVar variation 3347049 (VCV003347049.1).